The following is an entry in ClinVar:

ClinVar aggregate classification (germline): Uncertain significance (1 of 4 stars; one submission).

Allele frequency attached by ClinVar (database versions not stated): gnomAD exomes below 0.00001.
gnomAD v4.1: 2 of 1,613,848 alleles (0.00012%); highest among the groups gnomAD compares: Non-Finnish European, 0.00017%; no homozygotes.

Submission:

Labcorp Genetics (formerly Invitae), Labcorp
Classification: Uncertain significance. Last evaluated: 2023-08-02. Review status: criteria provided, single submitter. Criteria: Invitae Variant Classification Sherloc (09022015). Collection method: clinical testing. Allele origin: germline.
Comment: This sequence change affects codon 667 of the MTOR mRNA. It is a 'silent' change, meaning that it does not change the encoded amino acid sequence of the MTOR protein. It affects a nucleotide within the consensus splice site. This variant has not been reported in the literature in individuals affected with MTOR-related conditions. Algorithms developed to predict the effect of sequence changes on RNA splicing suggest that this variant is not likely to affect RNA splicing. In summary, the available evidence is currently insufficient to determine the role of this variant in disease. Therefore, it has been classified as a Variant of Uncertain Significance. This variant is not present in population databases (gnomAD no frequency).

NM_004958.4(MTOR):c.2001T>C (p.Pro667=)

Gene: MTOR (mechanistic target of rapamycin kinase; minus strand). Cytogenetic location: 1p36.22.
Variant type: single nucleotide variant.
Coding change: c.2001T>C on transcript NM_004958.4 (MANE Select); coding-DNA position 2001, T replaced by C.
Protein change: p.Pro667=; no amino-acid change (proline 667 retained).
Molecular consequence: synonymous variant.
Genome position (GRCh38, 1-based): chr1:11,238,403, A>G on the plus strand (T>C on the coding strand, the complement: MTOR is on the minus strand). VCF-style: chr1-11238403-A-G. GRCh37 (hg19) VCF-style: chr1-11298460-A-G.
Other names: c.2001T>C, p.Pro667= (NM_001386500.1); c.753T>C, p.Pro251= (NM_001386501.1).
Identifiers: ClinVar variation 2744029 (VCV002744029.3), dbSNP rs2523315984, ClinGen allele CA415922987.
Genomic context (GRCh38, chr1:11,238,403, plus strand): 5'-CTCCCAATTGTCCTAAGCTCCTTAACTCCCCTAGATTCCTTCTGTCTGGCAAGCCTTACC[A>G]GGATCTGTTATCCCAACTACGAGCAGTTTGCTAAGCACATCTGCCACCACTTGCACTGCG-3'
Protein context (NP_004949.1, residues 657-677): SKLLVVGITD[Pro667=]DPDIRYCVLA